The following is an entry in ClinVar:

NM_005475.3(SH2B3):c.1051G>C (p.Ala351Pro)

Gene: SH2B3 (SH2B adaptor protein 3; plus strand). Cytogenetic location: 12q24.12.
Variant type: single nucleotide variant.
Coding change: c.1051G>C on transcript NM_005475.3 (MANE Select); coding-DNA position 1051, G replaced by C.
Protein change: p.Ala351Pro; replaces alanine 351 with proline.
Molecular consequence: missense variant.
Genome position (GRCh38, 1-based): chr12:111,447,359, G>C. VCF-style: chr12-111447359-G-C. GRCh37 (hg19) VCF-style: chr12-111885163-G-C.
Other names: c.445G>C, p.Ala149Pro (NM_001291424.1); short protein forms A149P, A351P.
Identifiers: ClinVar variation 4163940 (VCV004163940.1).
Genomic context (GRCh38, chr12:111,447,359, plus strand): 5'-TGCGACCACCATCACCCATCTTATCTAACAGGTGCTTCTCCTGGGGGGCTGCTGGACCCG[G>C]CCTGCCAGAAGACGGACCATTTCCTGTCCTGCTACCCCTGGTTCCACGGCCCCATCTCCA-3'
Protein context (NP_005466.1, residues 341-361): GASPGGLLDP[Ala351Pro]CQKTDHFLSC

ClinVar aggregate classification (germline): Uncertain significance (1 of 4 stars; one submission).

Conditions:
Inborn genetic diseases. Identifiers: MedGen C0950123, MeSH D030342.

Submission:

Ambry Genetics
Classification: Uncertain significance for Inborn genetic diseases. Last evaluated: 2025-07-10. Review status: criteria provided, single submitter. Criteria: Ambry Variant Classification Scheme 2023. Collection method: clinical testing. Allele origin: germline.
Comment: The p.A351P variant (also known as c.1051G>C), located in coding exon 5 of the SH2B3 gene, results from a G to C substitution at nucleotide position 1051. The alanine at codon 351 is replaced by proline, an amino acid with highly similar properties. This amino acid position is conserved. In addition, this alteration is predicted to be tolerated by in silico analysis. Based on the available evidence, the clinical significance of this variant remains unclear.